The following is an entry in ClinVar:

ClinVar aggregate classification (germline): Uncertain significance (1 of 4 stars; one submission).

Submission:

GeneDx
Classification: Uncertain significance. Last evaluated: 2024-08-27. Review status: criteria provided, single submitter. Criteria: GeneDx Variant Classification Process June 2021. Collection method: clinical testing. Allele origin: germline. Affected: yes.
Comment: Not observed at significant frequency in large population cohorts (gnomAD); In silico analysis supports that this missense variant has a deleterious effect on protein structure/function; Has not been previously published as pathogenic or benign to our knowledge

NM_004380.3(CREBBP):c.1075G>T (p.Val359Phe)

Gene: CREBBP (CREB binding protein; minus strand). Cytogenetic location: 16p13.3.
Variant type: single nucleotide variant.
Coding change: c.1075G>T on transcript NM_004380.3 (MANE Select); coding-DNA position 1075, G replaced by T.
Protein change: p.Val359Phe; replaces valine 359 with phenylalanine.
Molecular consequence: missense variant.
Genome position (GRCh38, 1-based): chr16:3,793,527, C>A on the plus strand (G>T on the coding strand, the complement: CREBBP is on the minus strand). VCF-style: chr16-3793527-C-A. GRCh37 (hg19) VCF-style: chr16-3843528-C-A.
Other names: c.1075G>T, p.Val359Phe (NM_001079846.1); short protein forms V359F.
Identifiers: ClinVar variation 3766402 (VCV003766402.1).
Genomic context (GRCh38, chr16:3,793,527, plus strand): 5'-CCCGAACCTCTCCGTTTGCTTGCTCTCGTCTCTGACACTTATGAGCATGAAGCAGTAGAA[C>A]CAGCTGCTGCTGTATCAGTTTGCGTTTTTCAGGATCTGCAGTGGGGCCTGTTGCAATTGC-3'
Protein context (NP_004371.2, residues 349-369): EKRKLIQQQL[Val359Phe]LLLHAHKCQR